The following is an entry in ClinVar:

NM_001458.5(FLNC):c.6053G>A (p.Arg2018His)

Genes: FLNC (filamin C; plus strand), FLNC-AS1 (FLNC antisense RNA 1; minus strand). Cytogenetic location: 7q32.1.
Variant type: single nucleotide variant.
Coding change: c.6053G>A on transcript NM_001458.5 (MANE Select); coding-DNA position 6053, G replaced by A.
Protein change: p.Arg2018His; replaces arginine 2018 with histidine.
Molecular consequence: missense variant.
Genome position (GRCh38, 1-based): chr7:128,852,876, G>A. VCF-style: chr7-128852876-G-A. GRCh37 (hg19) VCF-style: chr7-128492930-G-A.
Other names: c.5954G>A, p.Arg1985His (NM_001127487.2); short protein forms R2018H, R1985H.
Identifiers: ClinVar variation 472124 (VCV000472124.17), dbSNP rs764326184, ClinGen allele CA4475879.

ClinVar aggregate classification (germline): Conflicting classifications of pathogenicity. Review status: criteria provided, conflicting classifications (1 of 4 stars). 5 submissions from 5 submitters: Uncertain significance (4); Likely benign (1). Last evaluated 2026-03-30.

Conditions:
FLNC-related disorder. Also called: FLNC-related disorders; FLNC-related condition.
Myofibrillar myopathy 5. Also called: FILAMINOPATHY, AUTOSOMAL DOMINANT; Filaminopathy (type). Identifiers: Orphanet 171445, MedGen C1836050, MONDO:0012289, OMIM 609524.
Hypertrophic cardiomyopathy 26. Also called: Cardiomyopathy, familial hypertrophic, 26. Identifiers: Orphanet 75249, MedGen C4310749, MONDO:0014883, OMIM 617047.
Distal myopathy with posterior leg and anterior hand involvement. Also called: WILLIAMS DISTAL MYOPATHY. Identifiers: Orphanet 63273, MedGen C3279722, MONDO:0013550, OMIM 614065.
Cardiovascular phenotype. Identifiers: MedGen CN230736.

Allele frequency attached by ClinVar (database versions not stated): gnomAD 0.00002; ExAC 0.00003; gnomAD exomes 0.00003; TOPMed 0.00003.
gnomAD v4.1: 52 of 1,613,610 alleles (0.0032%); highest among the groups gnomAD compares: Non-Finnish European, 0.0038%; no homozygotes.

Submissions (5):

PreventionGenetics, part of Exact Sciences
Classification: Uncertain significance for FLNC-related condition. Last evaluated: 2026-03-30. Review status: criteria provided, single submitter. Criteria: ACMG Guidelines, 2015. Collection method: clinical testing. Allele origin: germline.
Comment: The FLNC c.6053G>A variant is predicted to result in the amino acid substitution p.Arg2018His. This variant has been reported in an individual with cardiomyopathy (Table S2, Akinrinade et al. 2023. PubMed ID: 37477868). This variant has also been reported as a variant of uncertain significance in an individual with hypertrophic cardiomyopathy; however, this individual also carried another FLNC missense variant (Case #8566, Chanavat et al. 2016. PubMed ID: 26688388). This variant is reported in 0.0058% of alleles in individuals of Latino descent in gnomAD. At this time, the clinical significance of this variant is uncertain due to the absence of conclusive functional and genetic evidence.

Labcorp Genetics (formerly Invitae), Labcorp
Classification: Uncertain significance for Distal myopathy with posterior leg and anterior hand involvement; Myofibrillar myopathy 5; Hypertrophic cardiomyopathy 26. Last evaluated: 2025-06-19. Review status: criteria provided, single submitter. Criteria: Invitae Variant Classification Sherloc (09022015). Collection method: clinical testing. Allele origin: germline.
Comment: This sequence change replaces arginine, which is basic and polar, with histidine, which is basic and polar, at codon 2018 of the FLNC protein (p.Arg2018His). This variant is present in population databases (rs764326184, gnomAD 0.006%). This missense change has been observed in individual(s) with hypertrophic cardiomyopathy (PMID: 26688388). ClinVar contains an entry for this variant (Variation ID: 472124). Invitae Evidence Modeling of protein sequence and biophysical properties (such as structural, functional, and spatial information, amino acid conservation, physicochemical variation, residue mobility, and thermodynamic stability) has been performed for this missense variant. However, the output from this modeling did not meet the statistical confidence thresholds required to predict the impact of this variant on FLNC protein function. In summary, the available evidence is currently insufficient to determine the role of this variant in disease. Therefore, it has been classified as a Variant of Uncertain Significance.

Molecular Diagnostic Laboratory for Inherited Cardiovascular Disease, Montreal Heart Institute
Classification: Uncertain significance for Cardiovascular phenotype. Last evaluated: 2025-04-09. Review status: criteria provided, single submitter. Criteria: ACMG Guidelines, 2015. Collection method: clinical testing. Allele origin: germline. Affected: yes.

Ambry Genetics
Classification: Likely benign for Cardiovascular phenotype. Last evaluated: 2024-04-04. Review status: criteria provided, single submitter. Criteria: Ambry Variant Classification Scheme 2023. Collection method: clinical testing. Allele origin: germline.

Blueprint Genetics
Classification: Uncertain significance. Last evaluated: 2024-01-17. Review status: criteria provided, single submitter. Criteria: ACMG Guidelines, 2015. Collection method: clinical testing. Allele origin: germline.

Literature cited by the submitters: PubMed 26688388 (cited by Labcorp Genetics (formerly Invitae), Labcorp and Ambry Genetics); PubMed 37477868 (cited by Ambry Genetics); PubMed 37904629 (cited by Ambry Genetics).